The following is an entry in ClinVar:

NM_003489.4(NRIP1):c.698C>G (p.Pro233Arg)

Gene: NRIP1 (nuclear receptor interacting protein 1; minus strand). Cytogenetic location: 21q11.2.
Variant type: single nucleotide variant.
Coding change: c.698C>G on transcript NM_003489.4 (MANE Select); coding-DNA position 698, C replaced by G.
Protein change: p.Pro233Arg; replaces proline 233 with arginine.
Molecular consequence: missense variant.
Genome position (GRCh38, 1-based): chr21:14,967,495, G>C on the plus strand (C>G on the coding strand, the complement: NRIP1 is on the minus strand). VCF-style: chr21-14967495-G-C. GRCh37 (hg19) VCF-style: chr21-16339816-G-C.
Other names: c.698C>G, p.Pro233Arg (NM_001439275.1, NM_001439276.1, NM_001439277.1 and 10 more transcripts); short protein forms P233R.
Identifiers: ClinVar variation 4769082 (VCV004769082.1).

ClinVar aggregate classification (germline): Uncertain significance (1 of 4 stars; one submission).

gnomAD v4.1: 2 of 1,613,950 alleles (0.00012%); highest among the groups gnomAD compares: African/African-American, 0.0027%; no homozygotes.

Submission:

Labcorp Genetics (formerly Invitae), Labcorp
Classification: Uncertain significance. Last evaluated: 2025-12-15. Review status: criteria provided, single submitter. Criteria: Invitae Variant Classification Sherloc (09022015). Collection method: clinical testing. Allele origin: germline.
Comment: This sequence change replaces proline, which is neutral and non-polar, with arginine, which is basic and polar, at codon 233 of the NRIP1 protein (p.Pro233Arg). This variant is not present in population databases (gnomAD no frequency). This variant has not been reported in the literature in individuals affected with NRIP1-related conditions. An algorithm developed to predict the effect of missense changes on protein structure and function (PolyPhen-2) suggests that this variant is likely to be disruptive. In summary, the available evidence is currently insufficient to determine the role of this variant in disease. Therefore, it has been classified as a Variant of Uncertain Significance.